The following is an entry in ClinVar:

NM_005732.4(RAD50):c.531T>G (p.Asp177Glu)

Gene: RAD50 (RAD50 double strand break repair protein; plus strand). Cytogenetic location: 5q31.1.
Variant type: single nucleotide variant.
Coding change: c.531T>G on transcript NM_005732.4 (MANE Select); coding-DNA position 531, T replaced by G.
Protein change: p.Asp177Glu; replaces aspartic acid 177 with glutamic acid.
Molecular consequence: missense variant.
Genome position (GRCh38, 1-based): chr5:132,579,482, T>G. VCF-style: chr5-132579482-T-G. GRCh37 (hg19) VCF-style: chr5-131915174-T-G.
Other names: short protein forms D177E.
Identifiers: ClinVar variation 4677859 (VCV004677859.1).

ClinVar aggregate classification (germline): Uncertain significance (1 of 4 stars; one submission).

Conditions:
Hereditary cancer-predisposing syndrome. Also called: Neoplastic Syndromes, Hereditary; Tumor predisposition; Hereditary Cancer Syndrome; Hereditary neoplastic syndrome. Identifiers: Orphanet 140162, MedGen C0027672, MeSH D009386, MONDO:0015356.

Submission:

Ambry Genetics
Classification: Uncertain significance for Hereditary cancer-predisposing syndrome. Last evaluated: 2025-09-28. Review status: criteria provided, single submitter. Criteria: Ambry Variant Classification Scheme 2023. Collection method: clinical testing. Allele origin: germline.
Comment: The p.D177E variant (also known as c.531T>G), located in coding exon 4 of the RAD50 gene, results from a T to G substitution at nucleotide position 531. The aspartic acid at codon 177 is replaced by glutamic acid, an amino acid with highly similar properties. This amino acid position is conserved. In addition, the in silico prediction for this alteration is inconclusive. Based on the available evidence, the clinical significance of this variant remains unclear.